The following is an entry in ClinVar:

NM_000059.4(BRCA2):c.9477_9478insTTGAC (p.Asn3160fs)

Gene: BRCA2 (BRCA2 DNA repair associated; plus strand). Cytogenetic location: 13q13.1.
Variant type: Insertion.
Coding change: c.9477_9478insTTGAC on transcript NM_000059.4 (MANE Select); coding-DNA positions 9477 to 9478, TTGAC inserted.
Protein change: p.Asn3160fs; shifts the reading frame from asparagine 3160.
Molecular consequence: frameshift variant. On other transcripts: non-coding transcript variant (1).
Genome position: GRCh38 VCF-style: chr13-32394908-T-TCTTGA. GRCh37 (hg19) VCF-style: chr13-32969045-T-TCTTGA.
Other names: c.9381_9382insTTGAC, p.Asn3128fs (NM_001406719.1); c.9426_9427insTTGAC, p.Asn3143fs (NM_001406720.1); c.4545_4546insTTGAC, p.Asn1516fs (NM_001406721.1); c.3060_3061insTTGAC, p.Asn1021fs (NM_001406722.1); c.9477_9478insTTGAC, p.Asn3160fs (NM_001432077.1); short protein forms N1021fs, N1516fs, N3128fs, N3143fs, N3160fs.
Identifiers: ClinVar variation 4686632 (VCV004686632.1).

ClinVar aggregate classification (germline): Likely pathogenic (1 of 4 stars; one submission).

Conditions:
Hereditary breast ovarian cancer syndrome. Also called: Hereditary breast and ovarian cancer syndrome (HBOC); Breast and ovarian cancer; Hereditary breast and ovarian cancer; Hereditary breast and ovarian cancer syndrome; BRCA1- and BRCA2-Associated Hereditary Breast and Ovarian Cancer; Hereditary breast and/or ovarian cancer syndrome. Identifiers: Orphanet 145, MedGen C0677776, MeSH D061325, MONDO:0003582. Disease mechanism: loss of function.

Submission:

Breast Care Center, Daerim St. Mary`s Hospital
Classification: Likely pathogenic for Hereditary breast and ovarian cancer syndrome. Last evaluated: 2026-01-22. Review status: criteria provided, single submitter. Criteria: ACMG Guidelines, 2015. Collection method: clinical testing. Allele origin: germline. Inheritance: Autosomal dominant inheritance. Affected: yes. Observed: 1 heterozygote.
Comment: This variant, c.9477_9478insTTGAC (p.Asn3160Leufs*5), is an insertion in exon 25 of the BRCA2 gene. It creates a premature translational stop signal, which is predicted to result in a truncated or absent protein product due to nonsense-mediated decay. Loss-of-function variants in BRCA2 are a well-established mechanism of hereditary breast and ovarian cancer. This specific variant is absent from large population databases such as gnomAD. Based on the combination of a null variant in a gene where LOF is a known disease mechanism and its absence in the general population, this variant is classified as likely pathogenic.